The following is an entry in ClinVar:

ClinVar aggregate classification (germline): Likely pathogenic (1 of 4 stars; one submission).

Conditions:
Capillary malformation-arteriovenous malformation syndrome. Also called: Capillary malformation-arteriovenous malformation. Identifiers: Orphanet 137667, MedGen C1842180, MONDO:0012016.

Allele frequency attached by ClinVar (database versions not stated): gnomAD exomes below 0.00001; TOPMed below 0.00001; ExAC 0.00001; gnomAD 0.00001.
gnomAD v4.1: 2 of 1,605,308 alleles (0.00012%); highest among the groups gnomAD compares: African/African-American, 0.0027%; no homozygotes.

Submissions (2):

Labcorp Genetics (formerly Invitae), Labcorp
Classification: Likely pathogenic for Capillary malformation-arteriovenous malformation syndrome. Last evaluated: 2023-05-01. Review status: criteria provided, single submitter. Criteria: Invitae Variant Classification Sherloc (09022015). Collection method: clinical testing. Allele origin: germline.
Comment: In summary, the currently available evidence indicates that the variant is pathogenic, but additional data are needed to prove that conclusively. Therefore, this variant has been classified as Likely Pathogenic. This sequence change affects a donor splice site in intron 10 of the RASA1 gene. It is expected to disrupt RNA splicing. Variants that disrupt the donor or acceptor splice site typically lead to a loss of protein function (PMID: 16199547), and loss-of-function variants in RASA1 are known to be pathogenic (PMID: 24038909). This variant is present in population databases (rs750421671, gnomAD 0.007%). This variant has not been reported in the literature in individuals affected with RASA1-related conditions. Algorithms developed to predict the effect of sequence changes on RNA splicing suggest that this variant may disrupt the consensus splice site.

Dr. Peter K. Rogan Lab, Western University
No classification provided (evidence only). Condition: Nonpapillary renal cell carcinoma. Review status: no classification provided. Collection method: in vitro. Allele origin: not applicable. Functional consequence: retained intron. Not counted in ClinVar's aggregate classification.

Literature cited by the submitters: PubMed 16199547 (cited by Labcorp Genetics (formerly Invitae), Labcorp); PubMed 24038909 (cited by Labcorp Genetics (formerly Invitae), Labcorp).

NM_002890.3(RASA1):c.1453+2T>C

Genes: CCNH (cyclin H; minus strand), RASA1 (RAS p21 protein activator 1; plus strand). Cytogenetic location: 5q14.3.
Variant type: single nucleotide variant.
Coding change: c.1453+2T>C on transcript NM_002890.3 (MANE Select); the canonical splice donor site of the intron after coding-DNA position 1453, T replaced by C.
Molecular consequence: splice donor variant. On other transcripts: intron variant (1).
Genome position (GRCh38, 1-based): chr5:87,362,673, T>C. VCF-style: chr5-87362673-T-C. GRCh37 (hg19) VCF-style: chr5-86658490-T-C.
Other names: c.922+2T>C (NM_022650.3); c.933+32371A>G (NM_001364075.2).
Identifiers: ClinVar variation 2998551 (VCV002998551.4), dbSNP rs750421671, ClinGen allele CA3335749.